The following is an entry in ClinVar:

NM_001754.5(RUNX1):c.186C>A (p.Asp62Glu)

Gene: RUNX1 (RUNX family transcription factor 1; minus strand). Cytogenetic location: 21q22.12.
Variant type: single nucleotide variant.
Coding change: c.186C>A on transcript NM_001754.5 (MANE Select); coding-DNA position 186, C replaced by A.
Protein change: p.Asp62Glu; replaces aspartic acid 62 with glutamic acid.
Molecular consequence: missense variant.
Genome position (GRCh38, 1-based): chr21:34,887,008, G>T on the plus strand (C>A on the coding strand, the complement: RUNX1 is on the minus strand). VCF-style: chr21-34887008-G-T. GRCh37 (hg19) VCF-style: chr21-36259305-G-T.
Other names: NM_001754.5(RUNX1):c.186C>A; p.Asp62Glu; c.105C>A, p.Asp35Glu (NM_001001890.3, NM_001122607.2); c.186C>A (NM_001754.4); short protein forms D35E, D62E.
Identifiers: ClinVar variation 1522045 (VCV001522045.10), dbSNP rs886450546, ClinGen allele CA320642855.
Genomic context (GRCh38, chr21:34,887,008, plus strand): 5'-CAGCACCTCCACCATGCTGCGGTCGCCGCTCCTCAGCTTGCCGGCCAGGGCAGCGCCGGC[G>T]TCCGGGGCGCCCAGCGGCAACGCCTCGCTCATCTTGCCTGGGCTCAGCGCGGTGGAAGGC-3'
Protein context (NP_001745.2, residues 52-72): MSEALPLGAP[Asp62Glu]AGAALAGKLR

ClinVar aggregate classification (germline): Uncertain significance. Review status: reviewed by expert panel (3 of 4 stars). 3 submissions from 3 submitters: Uncertain significance (1). 2 of the submissions do not count toward it. Last evaluated 2024-09-30.

Conditions:
Hereditary thrombocytopenia and hematologic cancer predisposition syndrome. Identifiers: Orphanet 71290, MedGen CN281654, MONDO:0011071.
Hereditary thrombocytopenia and hematological cancer predisposition syndrome associated with RUNX1. Also called: RUNX1 Familial Platelet Disorder with Associated Myeloid Malignancies; Familial Platelet Disorder with Propensity to Acute Myelogenous Leukemia; Familial thrombocytopenia with propensity to acute myelogenous leukemia; PLATELET DISORDER, ASPIRIN-LIKE. Identifiers: Orphanet 71290, MedGen C1832388, MeSH C563324, MONDO:0100083, OMIM 601399.
Inborn genetic diseases. Identifiers: MedGen C0950123, MeSH D030342.

Allele frequency attached by ClinVar (database versions not stated): gnomAD exomes below 0.00001; TOPMed below 0.00001.
gnomAD v4.1: 2 of 1,603,146 alleles (0.00012%); highest among the groups gnomAD compares: Non-Finnish European, 0.00017%; no homozygotes.

Submissions (3):

ClinGen Myeloid Malignancy Variant Curation Expert Panel
Classification: Uncertain significance for Hereditary thrombocytopenia and hematologic cancer predisposition syndrome. Last evaluated: 2024-09-30. Review status: reviewed by expert panel. Criteria: ClinGen MyeloMalig ACMG Specifications v2. Collection method: curation. Allele origin: germline. Inheritance: Autosomal dominant inheritance.
Comment: NM_001754.5(RUNX1):c.186C>A (p.Asp62Glu) is a missense variant which has a REVEL score < 0.50 (0.31), and a SpliceAI score ≤ 0.20 (0.03) (BP4). This variant is completely absent from all population databases with at least 20x coverage for RUNX1 (PM2_Supporting). In summary, the clinical significance of this variant is uncertain. ACMG/AMP criteria applied, as specified by the Myeloid Malignancy Variant Curation Expert Panel for RUNX1: BP4, PM2_supporting.

Ambry Genetics
Classification: Uncertain significance for Inborn genetic diseases. Last evaluated: 2025-03-15. Review status: criteria provided, single submitter. Criteria: Ambry Variant Classification Scheme 2023. Collection method: clinical testing. Allele origin: germline. Not counted in ClinVar's aggregate classification.
Comment: The p.D62E variant (also known as c.186C>A), located in coding exon 3 of the RUNX1 gene, results from a C to A substitution at nucleotide position 186. The aspartic acid at codon 62 is replaced by glutamic acid, an amino acid with highly similar properties. This amino acid position is conserved. In addition, this alteration is predicted to be tolerated by in silico analysis. Based on the available evidence, the clinical significance of this variant remains unclear.

Labcorp Genetics (formerly Invitae), Labcorp
Classification: Uncertain significance for Hereditary thrombocytopenia and hematological cancer predisposition syndrome associated with RUNX1. Last evaluated: 2023-07-23. Review status: criteria provided, single submitter. Criteria: Invitae Variant Classification Sherloc (09022015). Collection method: clinical testing. Allele origin: germline. Not counted in ClinVar's aggregate classification.
Comment: This sequence change replaces aspartic acid, which is acidic and polar, with glutamic acid, which is acidic and polar, at codon 62 of the RUNX1 protein (p.Asp62Glu). In summary, the available evidence is currently insufficient to determine the role of this variant in disease. Therefore, it has been classified as a Variant of Uncertain Significance. Algorithms developed to predict the effect of missense changes on protein structure and function output the following: SIFT: "Not Available"; PolyPhen-2: "Benign"; Align-GVGD: "Not Available". The glutamic acid amino acid residue is found in multiple mammalian species, which suggests that this missense change does not adversely affect protein function. ClinVar contains an entry for this variant (Variation ID: 1522045). This variant has not been reported in the literature in individuals affected with RUNX1-related conditions. This variant is not present in population databases (gnomAD no frequency).